The following is an entry in ClinVar:

ClinVar aggregate classification (germline): Uncertain significance (1 of 4 stars; one submission).

Conditions:
Spermatogenic failure 18. Identifiers: MedGen C4539783, MONDO:0054615, OMIM 617576.
Ciliary dyskinesia, primary, 37 (CILD37). Also called: CILIARY DYSKINESIA, PRIMARY, 37, WITH OR WITHOUT SITUS INVERSUS. Identifiers: MedGen C4539798, MONDO:0033204, OMIM 617577.

gnomAD v4.1: 7 of 1,613,808 alleles (0.00043%); highest among the groups gnomAD compares: African/African-American, 0.0053%; no homozygotes.

Submission:

Labcorp Genetics (formerly Invitae), Labcorp
Classification: Uncertain significance for Ciliary dyskinesia, primary, 37; Spermatogenic failure 18. Last evaluated: 2024-11-27. Review status: criteria provided, single submitter. Criteria: Invitae Variant Classification Sherloc (09022015). Collection method: clinical testing. Allele origin: germline.
Comment: This sequence change replaces isoleucine, which is neutral and non-polar, with threonine, which is neutral and polar, at codon 1495 of the DNAH1 protein (p.Ile1495Thr). This variant is present in population databases (rs373210302, gnomAD 0.02%). This variant has not been reported in the literature in individuals affected with DNAH1-related conditions. Invitae Evidence Modeling of protein sequence and biophysical properties (such as structural, functional, and spatial information, amino acid conservation, physicochemical variation, residue mobility, and thermodynamic stability) indicates that this missense variant is expected to disrupt DNAH1 protein function with a positive predictive value of 80%. In summary, the available evidence is currently insufficient to determine the role of this variant in disease. Therefore, it has been classified as a Variant of Uncertain Significance.

NM_015512.5(DNAH1):c.4484T>C (p.Ile1495Thr)

Gene: DNAH1 (dynein axonemal heavy chain 1; plus strand). Cytogenetic location: 3p21.1.
Variant type: single nucleotide variant.
Coding change: c.4484T>C on transcript NM_015512.5 (MANE Select); coding-DNA position 4484, T replaced by C.
Protein change: p.Ile1495Thr; replaces isoleucine 1495 with threonine.
Molecular consequence: missense variant.
Genome position (GRCh38, 1-based): chr3:52,359,992, T>C. VCF-style: chr3-52359992-T-C. GRCh37 (hg19) VCF-style: chr3-52394008-T-C.
Other names: short protein forms I1495T.
Identifiers: ClinVar variation 3751870 (VCV003751870.2).